The following is an entry in ClinVar:

NM_203446.3(SYNJ1):c.2608A>G (p.Ile870Val)

Gene: SYNJ1 (synaptojanin 1; minus strand). Cytogenetic location: 21q22.11.
Variant type: single nucleotide variant.
Coding change: c.2608A>G on transcript NM_203446.3 (MANE Select); coding-DNA position 2608, A replaced by G.
Protein change: p.Ile870Val; replaces isoleucine 870 with valine.
Molecular consequence: missense variant.
Genome position (GRCh38, 1-based): chr21:32,656,874, T>C on the plus strand (A>G on the coding strand, the complement: SYNJ1 is on the minus strand). VCF-style: chr21-32656874-T-C. GRCh37 (hg19) VCF-style: chr21-34029184-T-C.
Other names: c.2608A>G, p.Ile870Val (NM_001160302.2); c.2593A>G, p.Ile865Val (NM_001160306.2); c.2725A>G, p.Ile909Val (NM_003895.4); short protein forms I909V, I865V, I870V.
Identifiers: ClinVar variation 1044033 (VCV001044033.9), dbSNP rs2040476929, ClinGen allele CA410074057.

ClinVar aggregate classification (germline): Uncertain significance (1 of 4 stars; one submission).

Conditions:
Developmental and epileptic encephalopathy, 53. Also called: Epileptic encephalopathy, early infantile, 53. Identifiers: MedGen C4479313, MONDO:0033362, OMIM 617389.
Early-onset Parkinson disease 20. Also called: PARKINSON DISEASE 20, AUTOSOMAL RECESSIVE EARLY-ONSET. Identifiers: Orphanet 391411, MedGen C3809824, MONDO:0014233, OMIM 615530.

Submission:

Labcorp Genetics (formerly Invitae), Labcorp
Classification: Uncertain significance for Developmental and epileptic encephalopathy, 53; Early-onset Parkinson disease 20. Last evaluated: 2020-04-28. Review status: criteria provided, single submitter. Criteria: Invitae Variant Classification Sherloc (09022015). Collection method: clinical testing. Allele origin: germline.
Comment: In summary, the available evidence is currently insufficient to determine the role of this variant in disease. Therefore, it has been classified as a Variant of Uncertain Significance. Algorithms developed to predict the effect of missense changes on protein structure and function (SIFT, PolyPhen-2, Align-GVGD) all suggest that this variant is likely to be tolerated, but these predictions have not been confirmed by published functional studies and their clinical significance is uncertain. This variant has not been reported in the literature in individuals with SYNJ1-related conditions. This variant is not present in population databases (ExAC no frequency). This sequence change replaces isoleucine with valine at codon 909 of the SYNJ1 protein (p.Ile909Val). The isoleucine residue is highly conserved and there is a small physicochemical difference between isoleucine and valine.